The following is an entry in ClinVar:

ClinVar aggregate classification (germline): Likely pathogenic (1 of 4 stars; one submission).

Conditions:
LAMB2-related infantile-onset nephrotic syndrome. Also called: NEPHROTIC SYNDROME, TYPE 5, WITHOUT OCULAR ABNORMALITIES; NEPHROTIC SYNDROME, TYPE 5, WITH OCULAR ABNORMALITIES; Nephrotic Syndrome, type 5. Identifiers: Orphanet 306507, MedGen C3280113, MONDO:0013621, OMIM 614199.

Submission:

Neuberg Centre For Genomic Medicine, NCGM
Classification: Likely pathogenic for LAMB2-related infantile-onset nephrotic syndrome. Review status: criteria provided, single submitter. Criteria: ACMG Guidelines, 2015. Collection method: clinical testing. Allele origin: germline. Inheritance: Autosomal recessive inheritance. Affected: yes.
Comment: The stop gained variant c.4435G>T (p.Glu1479Ter) has not been reported previously as a pathogenic variant nor as a benign variant, to our knowledge. The c.4435G>T (p.Glu1479Ter) variant is novel (not in any individuals) in gnomAD Exomes and is novel (not in any individuals) in 1000 Genomes. The nucleotide change in LAMB2 is predicted as conserved by GERP++ and PhyloP across 100 vertebrates. This variant is predicted to cause loss of normal protein function through protein truncation. Loss of function variants have been previously reported to be disease causing. For these reasons, this variant has been classified as Likely Pathogenic.

NM_002292.4(LAMB2):c.4435G>T (p.Glu1479Ter)

Gene: LAMB2 (laminin subunit beta 2; minus strand). Cytogenetic location: 3p21.31.
Variant type: single nucleotide variant.
Coding change: c.4435G>T on transcript NM_002292.4 (MANE Select); coding-DNA position 4435, G replaced by T.
Protein change: p.Glu1479Ter; replaces glutamic acid 1479 with a stop codon.
Molecular consequence: nonsense.
Genome position (GRCh38, 1-based): chr3:49,122,842, C>A on the plus strand (G>T on the coding strand, the complement: LAMB2 is on the minus strand). VCF-style: chr3-49122842-C-A. GRCh37 (hg19) VCF-style: chr3-49160275-C-A.
Other names: short protein forms E1479*.
Identifiers: ClinVar variation 2585178 (VCV002585178.1), dbSNP rs757251877, ClinGen allele CA352692934.
Genomic context (GRCh38, chr3:49,122,842, plus strand): 5'-TAGCCTTGTCCAGGGCTGCCTGGGCCCGCTGCTGTGCCTCGCTTGCCTGCCGACGAGTCT[C>A]AGCCACTCTGCTGAGGATGCTACCACCTTCTGCCAGTGCCCGCTGCAGCTCTGCCTGTGT-3'